The following is an entry in ClinVar:

ClinVar aggregate classification (germline): Pathogenic (1 of 4 stars; one submission).

Conditions:
Usher syndrome type 2A. Also called: RETINAL DISEASE IN USHER SYNDROME TYPE IIA, MODIFIER OF; USHER SYNDROME, TYPE IIA. Identifiers: Orphanet 231178, Orphanet 886, MedGen C1848634, MONDO:0010169, OMIM 276901.

Submission:

Institute of Rare Diseases, West China Hospital, Sichuan University
Classification: Pathogenic for Usher syndrome type 2A. Last evaluated: 2025-01-09. Review status: criteria provided, single submitter. Criteria: ClinGen HL ACMG Specifications v1. Collection method: research. Allele origin: germline. Affected: yes.
Comment: PVS1;PM3;PM2_Supporting

NM_206933.4(USH2A):c.11367_11368del (p.Phe3790fs)

Gene: USH2A (usherin; minus strand). Cytogenetic location: 1q41.
Variant type: Microsatellite.
Coding change: c.11367_11368del on transcript NM_206933.4 (MANE Select); coding-DNA positions 11367 to 11368, 2 bases deleted (AT; older notation c.11367_11368delAT).
Protein change: p.Phe3790fs; shifts the reading frame from phenylalanine 3790.
Molecular consequence: frameshift variant.
Genome position (GRCh38, 1-based): chr1:215,758,616-215,758,617, AT deleted on the plus strand (AT on the coding strand, the reverse complement: USH2A is on the minus strand); deleting any 2 consecutive bases within chr1:215,758,616-215,758,620 gives the same sequence; the c. name uses the placement nearest the transcript's 3' end. VCF-style (leftmost placement, unchanged base first): chr1-215758615-AAT-A. GRCh37 (hg19) VCF-style: chr1-215931957-AAT-A.
Other names: short protein forms F3790fs.
Identifiers: ClinVar variation 3601029 (VCV003601029.1).